The following is an entry in ClinVar:

ClinVar aggregate classification (germline): Conflicting classifications of pathogenicity. Review status: criteria provided, conflicting classifications (1 of 4 stars). 3 submissions from 3 submitters: Likely pathogenic (1); Uncertain significance (2). Last evaluated 2025-08-15.

Conditions:
Hereditary cancer-predisposing syndrome. Also called: Hereditary neoplastic syndrome; Hereditary Cancer Syndrome; Neoplastic Syndromes, Hereditary; Tumor predisposition. Identifiers: Orphanet 140162, MedGen C0027672, MeSH D009386, MONDO:0015356.
Familial adenomatous polyposis 2. Also called: MYH-associated polyposis; COLORECTAL ADENOMATOUS POLYPOSIS, AUTOSOMAL RECESSIVE; ADENOMAS, MULTIPLE COLORECTAL, AUTOSOMAL RECESSIVE; MUTYH-related attenuated familial adenomatous polyposis; Adenomas, multiple colorectal; FAP type 2. Identifiers: Orphanet 220460, Orphanet 247798, MedGen C3272841, MONDO:0012041, OMIM 608456.

Allele frequency attached by ClinVar (database versions not stated): gnomAD exomes 0.00001.
gnomAD v4.1: 7 of 1,614,186 alleles (0.00043%); highest among the groups gnomAD compares: Non-Finnish European, 0.00059%; no homozygotes.

Submissions (3):

Ambry Genetics
Classification: Likely pathogenic for Hereditary cancer-predisposing syndrome. Last evaluated: 2025-08-15. Review status: criteria provided, single submitter. Criteria: Ambry Variant Classification Scheme 2023. Collection method: clinical testing. Allele origin: germline.
Comment: The p.L424P variant (also known as c.1271T>C), located in coding exon 13 of the MUTYH gene, results from a T to C substitution at nucleotide position 1271. The leucine at codon 424 is replaced by proline, an amino acid with similar properties. In a massively parallel cell-based functional assay testing 7,8-dihydro-8-oxoguanine:adenine (8OG:A) repair activity, a byproduct of oxidative damage, this variant was reported to be non-functional (Hemker SL et al. Am J Hum Genet. Published online July 29, 2025. DOI: 10.1016/j.ajhg.2025.07.005). This amino acid position is highly conserved. In addition, this alteration is predicted to be deleterious by in silico analysis. This variant is considered to be rare based on population cohorts in the Genome Aggregation Database (gnomAD). Based on the majority of available evidence to date, this variant is likely to be pathogenic.

Labcorp Genetics (formerly Invitae), Labcorp
Classification: Uncertain significance for Familial adenomatous polyposis 2. Last evaluated: 2024-09-17. Review status: criteria provided, single submitter. Criteria: Invitae Variant Classification Sherloc (09022015). Collection method: clinical testing. Allele origin: germline.
Comment: This sequence change replaces leucine, which is neutral and non-polar, with proline, which is neutral and non-polar, at codon 424 of the MUTYH protein (p.Leu424Pro). This variant is not present in population databases (gnomAD no frequency). This variant has not been reported in the literature in individuals affected with MUTYH-related conditions. ClinVar contains an entry for this variant (Variation ID: 490030). An algorithm developed to predict the effect of missense changes on protein structure and function (PolyPhen-2) suggests that this variant is likely to be disruptive. In summary, the available evidence is currently insufficient to determine the role of this variant in disease. Therefore, it has been classified as a Variant of Uncertain Significance.

Color Diagnostics, LLC DBA Color Health
Classification: Uncertain significance for Hereditary cancer-predisposing syndrome. Last evaluated: 2024-03-06. Review status: criteria provided, single submitter. Criteria: ACMG Guidelines, 2015. Collection method: clinical testing. Allele origin: germline.
Comment: This missense variant replaces leucine with proline at codon 424 of the MUTYH protein. Computational prediction suggests that this variant may have deleterious impact on protein structure and function (internally defined REVEL score threshold >= 0.7, PMID: 27666373). To our knowledge, functional studies have not been reported for this variant. This variant has not been reported in individuals affected with hereditary cancer in the literature. This variant has not been identified in the general population by the Genome Aggregation Database (gnomAD). The available evidence is insufficient to determine the role of this variant in disease conclusively. Therefore, this variant is classified as a Variant of Uncertain Significance.

Literature cited by the submitters: PubMed 40738107 (cited by Ambry Genetics).

NM_001048174.2(MUTYH):c.1187T>C (p.Leu396Pro)

Gene: MUTYH (mutY DNA glycosylase; minus strand). Cytogenetic location: 1p34.1.
Variant type: single nucleotide variant.
Coding change: c.1187T>C on transcript NM_001048174.2 (MANE Select); coding-DNA position 1187, T replaced by C.
Protein change: p.Leu396Pro; replaces leucine 396 with proline.
Molecular consequence: missense variant. On other transcripts: non-coding transcript variant (2).
Genome position (GRCh38, 1-based): chr1:45,331,472, A>G on the plus strand (T>C on the coding strand, the complement: MUTYH is on the minus strand). VCF-style: chr1-45331472-A-G. GRCh37 (hg19) VCF-style: chr1-45797144-A-G.
Other names: c.1187T>C, p.Leu396Pro (NM_001048171.2, NM_001048173.2, NM_001293195.2); c.1190T>C, p.Leu397Pro (NM_001048172.2); c.1271T>C, p.Leu424Pro (NM_001128425.2); c.1232T>C, p.Leu411Pro (NM_001293190.2); c.1220T>C, p.Leu407Pro (NM_001293191.2); c.911T>C, p.Leu304Pro (NM_001293192.2, NM_001293196.2); c.842T>C, p.Leu281Pro (NM_001350650.2, NM_001350651.2); c.1262T>C, p.Leu421Pro (NM_012222.3); short protein forms L424P, L281P, L397P, L411P, L304P, L407P, L421P, L396P.
Identifiers: ClinVar variation 490030 (VCV000490030.11), dbSNP rs1553125762, ClinGen allele CA340132919.